The following is an entry in ClinVar:

ClinVar aggregate classification (germline): Uncertain significance. Review status: criteria provided, multiple submitters, no conflicts (2 of 4 stars). 2 submissions from 2 submitters: Uncertain significance (2). Last evaluated 2023-12-22.

Allele frequency attached by ClinVar (database versions not stated): gnomAD exomes below 0.00001 and 0.00001; TOPMed 0.00003.
gnomAD v4.1: 7 of 1,613,758 alleles (0.00043%); highest among the groups gnomAD compares: African/African-American, 0.008%; no homozygotes.

Submissions (2):

Ambry Genetics
Classification: Uncertain significance. Last evaluated: 2023-12-22. Review status: criteria provided, single submitter. Criteria: Ambry Variant Classification Scheme 2023. Collection method: clinical testing. Allele origin: germline.

Labcorp Genetics (formerly Invitae), Labcorp
Classification: Uncertain significance. Last evaluated: 2021-09-15. Review status: criteria provided, single submitter. Criteria: Invitae Variant Classification Sherloc (09022015). Collection method: clinical testing. Allele origin: germline.
Comment: In summary, the available evidence is currently insufficient to determine the role of this variant in disease. Therefore, it has been classified as a Variant of Uncertain Significance. Algorithms developed to predict the effect of missense changes on protein structure and function are either unavailable or do not agree on the potential impact of this missense change (SIFT: "Deleterious"; PolyPhen-2: "Probably Damaging"; Align-GVGD: "Class C0"). This variant has not been reported in the literature in individuals affected with RDH11-related conditions. This variant is not present in population databases (ExAC no frequency). This sequence change replaces glycine with aspartic acid at codon 152 of the RDH11 protein (p.Gly152Asp). The glycine residue is highly conserved and there is a moderate physicochemical difference between glycine and aspartic acid.

NM_016026.4(RDH11):c.455G>A (p.Gly152Asp)

Genes: GPHN (gephyrin; plus strand), RDH11 (retinol dehydrogenase 11; minus strand). Cytogenetic location: 14q24.1.
Variant type: single nucleotide variant.
Coding change: c.455G>A on transcript NM_016026.4 (MANE Select); coding-DNA position 455, G replaced by A.
Protein change: p.Gly152Asp; replaces glycine 152 with aspartic acid.
Molecular consequence: missense variant. On other transcripts: intron variant (1).
Genome position (GRCh38, 1-based): chr14:67,690,421, C>T on the plus strand (G>A on the coding strand, the complement: RDH11 is on the minus strand). VCF-style: chr14-67690421-C-T. GRCh37 (hg19) VCF-style: chr14-68157138-C-T.
Other names: c.454+719G>A (NM_001252650.2); c.455G>A (NM_016026.3); short protein forms G152D.
Identifiers: ClinVar variation 1475158 (VCV001475158.7), dbSNP rs889623326, ClinGen allele CA262795211.